The following is an entry in ClinVar:

NM_001282116.2(RFX3):c.1449A>C (p.Gln483His)

Gene: RFX3 (regulatory factor X3; minus strand). Cytogenetic location: 9p24.2.
Variant type: single nucleotide variant.
Coding change: c.1449A>C on transcript NM_001282116.2 (MANE Select); coding-DNA position 1449, A replaced by C.
Protein change: p.Gln483His; replaces glutamine 483 with histidine.
Molecular consequence: missense variant.
Genome position (GRCh38, 1-based): chr9:3,266,214, T>G on the plus strand (A>C on the coding strand, the complement: RFX3 is on the minus strand). VCF-style: chr9-3266214-T-G. GRCh37 (hg19) VCF-style: chr9-3266214-T-G.
Other names: c.1449A>C, p.Gln483His (NM_001377999.1, NM_002919.4, NM_134428.3); short protein forms Q483H.
Identifiers: ClinVar variation 4538806 (VCV004538806.1).

ClinVar aggregate classification (germline): Uncertain significance (1 of 4 stars; one submission).

Submission:

GeneDx
Classification: Uncertain significance. Last evaluated: 2025-06-16. Review status: criteria provided, single submitter. Criteria: GeneDx Variant Classification Process June 2021. Collection method: clinical testing. Allele origin: germline. Affected: yes.
Comment: Not observed at significant frequency in large population cohorts (gnomAD); In silico analysis supports that this missense variant has a deleterious effect on protein structure/function; Has not been previously published as pathogenic or benign to our knowledge